The following is an entry in ClinVar:

NM_005422.4(TECTA):c.682C>T (p.Pro228Ser)

Genes: TBCEL-TECTA (TBCEL-TECTA readthrough; plus strand), TECTA (tectorin alpha; plus strand). Cytogenetic location: 11q23.3.
Variant type: single nucleotide variant.
Coding change: c.682C>T on transcript NM_005422.4 (MANE Select); coding-DNA position 682, C replaced by T.
Protein change: p.Pro228Ser; replaces proline 228 with serine.
Molecular consequence: missense variant.
Genome position (GRCh38, 1-based): chr11:121,113,610, C>T. VCF-style: chr11-121113610-C-T. GRCh37 (hg19) VCF-style: chr11-120984319-C-T.
Other names: c.1639C>T, p.Pro547Ser (NM_001378761.1); short protein forms P228S, P547S.
Identifiers: ClinVar variation 1904191 (VCV001904191.9), dbSNP rs1223895212, ClinGen allele CA383023264.

ClinVar aggregate classification (germline): Uncertain significance. Review status: criteria provided, multiple submitters, no conflicts (2 of 4 stars). 4 submissions from 4 submitters: Uncertain significance (4). Last evaluated 2026-06-10.

Conditions:
TECTA-related disorder. Also called: TECTA-related condition.

Submissions (4):

PreventionGenetics, part of Exact Sciences
Classification: Uncertain significance for TECTA-related condition. Last evaluated: 2026-06-10. Review status: criteria provided, single submitter. Criteria: ACMG Guidelines, 2015. Collection method: clinical testing. Allele origin: germline.
Comment: The TECTA c.682C>T variant is predicted to result in the amino acid substitution p.Pro228Ser. To our knowledge, this variant has not been reported in the literature or in a large population database (gnomAD), indicating this variant is rare. At this time, the clinical significance of this variant is uncertain due to the absence of conclusive functional and genetic evidence.

Labcorp Genetics (formerly Invitae), Labcorp
Classification: Uncertain significance. Last evaluated: 2025-02-06. Review status: criteria provided, single submitter. Criteria: Invitae Variant Classification Sherloc (09022015). Collection method: clinical testing. Allele origin: germline.
Comment: This sequence change replaces proline, which is neutral and non-polar, with serine, which is neutral and polar, at codon 228 of the TECTA protein (p.Pro228Ser). This variant is not present in population databases (gnomAD no frequency). This variant has not been reported in the literature in individuals affected with TECTA-related conditions. ClinVar contains an entry for this variant (Variation ID: 1904191). Invitae Evidence Modeling of protein sequence and biophysical properties (such as structural, functional, and spatial information, amino acid conservation, physicochemical variation, residue mobility, and thermodynamic stability) indicates that this missense variant is not expected to disrupt TECTA protein function with a negative predictive value of 95%. In summary, the available evidence is currently insufficient to determine the role of this variant in disease. Therefore, it has been classified as a Variant of Uncertain Significance.

Women's Health and Genetics/Laboratory Corporation of America, LabCorp
Classification: Uncertain significance. Last evaluated: 2024-09-25. Review status: criteria provided, single submitter. Criteria: LabCorp Variant Classification Summary - May 2015. Collection method: clinical testing. Allele origin: germline.
Comment: Variant summary: TECTA c.682C>T (p.Pro228Ser) results in a non-conservative amino acid change in the encoded protein sequence. Three of five in-silico tools predict a benign effect of the variant on protein function. The variant was absent in 251334 control chromosomes. The available data on variant occurrences in the general population are insufficient to allow any conclusion about variant significance. To our knowledge, no occurrence of c.682C>T in individuals affected with Deafness, Autosomal Recessive 21 and no experimental evidence demonstrating its impact on protein function have been reported. ClinVar contains an entry for this variant (Variation ID: 1904191). Based on the evidence outlined above, the variant was classified as uncertain significance.

GeneDx
Classification: Uncertain significance. Last evaluated: 2024-08-06. Review status: criteria provided, single submitter. Criteria: GeneDx Variant Classification Process June 2021. Collection method: clinical testing. Allele origin: germline.
Comment: Not observed at significant frequency in large population cohorts (gnomAD); In silico analysis supports that this missense variant does not alter protein structure/function; Has not been previously published as pathogenic or benign to our knowledge; This variant is associated with the following publications: (PMID: 31554319, 9590290, 21520338)